The following is an entry in ClinVar:

ClinVar aggregate classification (germline): Pathogenic. Review status: criteria provided, multiple submitters, no conflicts (2 of 4 stars). 2 submissions from 2 submitters: Pathogenic (2). Last evaluated 2024-05-15.

Conditions:
Hereditary cancer-predisposing syndrome. Also called: Neoplastic Syndromes, Hereditary; Tumor predisposition; Hereditary Cancer Syndrome; Hereditary neoplastic syndrome. Identifiers: Orphanet 140162, MedGen C0027672, MeSH D009386, MONDO:0015356.
Hereditary breast ovarian cancer syndrome. Also called: Hereditary breast and ovarian cancer syndrome; Hereditary breast and ovarian cancer; Breast and ovarian cancer; Hereditary breast and ovarian cancer syndrome (HBOC); Hereditary breast and/or ovarian cancer syndrome; BRCA1- and BRCA2-Associated Hereditary Breast and Ovarian Cancer. Identifiers: Orphanet 145, MedGen C0677776, MeSH D061325, MONDO:0003582. Disease mechanism: loss of function.

Submissions (2):

Labcorp Genetics (formerly Invitae), Labcorp
Classification: Pathogenic for Hereditary breast ovarian cancer syndrome. Last evaluated: 2024-05-15. Review status: criteria provided, single submitter. Criteria: Invitae Variant Classification Sherloc (09022015). Collection method: clinical testing. Allele origin: germline.
Comment: This sequence change creates a premature translational stop signal (p.Leu1195Argfs*2) in the BRCA2 gene. It is expected to result in an absent or disrupted protein product. Loss-of-function variants in BRCA2 are known to be pathogenic (PMID: 20104584). This variant is not present in population databases (gnomAD no frequency). This variant has not been reported in the literature in individuals affected with BRCA2-related conditions. ClinVar contains an entry for this variant (Variation ID: 1732925). For these reasons, this variant has been classified as Pathogenic.

Ambry Genetics
Classification: Pathogenic for Hereditary cancer-predisposing syndrome. Last evaluated: 2020-02-13. Review status: criteria provided, single submitter. Criteria: Ambry Variant Classification Scheme 2023. Collection method: clinical testing. Allele origin: germline.
Comment: The c.3584delT pathogenic mutation, located in coding exon 10 of the BRCA2 gene, results from a deletion of one nucleotide at nucleotide position 3584, causing a translational frameshift with a predicted alternate stop codon (p.L1195Rfs*2). This alteration is expected to result in loss of function by premature protein truncation or nonsense-mediated mRNA decay. As such, this alteration is interpreted as a disease-causing mutation.

Literature cited by the submitters: PubMed 20104584 (cited by Labcorp Genetics (formerly Invitae), Labcorp).

NM_000059.4(BRCA2):c.3584del (p.Leu1195fs)

Gene: BRCA2 (BRCA2 DNA repair associated; plus strand). Cytogenetic location: 13q13.1.
Variant type: Deletion.
Coding change: c.3584del on transcript NM_000059.4 (MANE Select); coding-DNA position 3584, one base deleted (T; older notation c.3584delT).
Protein change: p.Leu1195fs; shifts the reading frame from leucine 1195.
Molecular consequence: frameshift variant.
Genome position (GRCh38, 1-based): chr13:32,337,939, T deleted. VCF-style (leftmost placement, unchanged base first): chr13-32337938-CT-C. GRCh37 (hg19) VCF-style: chr13-32912075-CT-C.
Other names: c.3584delT, p.Leu1195Argfs (NM_001406719.1, NM_001406720.1); short protein forms L1195fs.
Identifiers: ClinVar variation 1732925 (VCV001732925.7), dbSNP rs2548526280, ClinGen allele CA2580087099.